The following is an entry in ClinVar:

ClinVar aggregate classification (germline): Uncertain significance. Review status: criteria provided, multiple submitters, no conflicts (2 of 4 stars). 3 submissions from 3 submitters: Uncertain significance (3). Last evaluated 2024-09-11.

Conditions:
Catecholaminergic polymorphic ventricular tachycardia (CVPT). Also called: Catecholamine-induced polymorphic ventricular tachycardia. Identifiers: Orphanet 3286, MedGen C5574922, MONDO:0017990.
Cardiomyopathy (CMYO). Also called: Cardiomyopathies. Identifiers: Orphanet 167848, MedGen C0878544, MONDO:0004994, HP:0001638. Inheritance: Various modes of inheritance.

Allele frequency attached by ClinVar (database versions not stated): gnomAD exomes below 0.00001.

Submissions (3):

All of Us Research Program, National Institutes of Health
Classification: Uncertain significance for Catecholaminergic polymorphic ventricular tachycardia. Last evaluated: 2024-09-11. Review status: criteria provided, single submitter. Criteria: ACMG Guidelines, 2015. Collection method: clinical testing. Allele origin: germline. Inheritance: Autosomal dominant inheritance. Observed: 1 variant allele, 1 heterozygote.
Comment: This variant deletes 1 nucleotide in exon 75 of the RYR2 gene, creating a frameshift and premature translation stop signal. This variant is expected to result in an absent or non-functional protein product. To our knowledge, this variant has not been reported in individuals affected with cardiovascular disorders in the literature. This variant has not been identified in the general population by the Genome Aggregation Database (gnomAD). Clinical relevance of loss-of-function truncation and splice variants in the RYR2 gene is not clearly established. The available evidence is insufficient to determine the role of this variant in disease conclusively. Therefore, this variant is classified as a Variant of Uncertain Significance.

This study involves interpretation of variants in research participants for the purpose of population health screening. Participant phenotype was not available at the time of variant classification. Additional details can be found in publication PMID: 35346344, PMCID: PMC8962531

Color Diagnostics, LLC DBA Color Health
Classification: Uncertain significance for Cardiomyopathy. Last evaluated: 2021-03-17. Review status: criteria provided, single submitter. Criteria: ACMG Guidelines, 2015. Collection method: clinical testing. Allele origin: germline.
Comment: This variant deletes 1 nucleotide in exon 75 of the RYR2 gene, creating a frameshift and premature translation stop signal. This variant is expected to result in an absent or non-functional protein product. To our knowledge, this variant has not been reported in individuals affected with cardiovascular disorders in the literature. This variant has not been identified in the general population by the Genome Aggregation Database (gnomAD). Clinical relevance of loss-of-function truncation and splice variants in the RYR2 gene is not clearly established. The available evidence is insufficient to determine the role of this variant in disease conclusively. Therefore, this variant is classified as a Variant of Uncertain Significance.

Women's Health and Genetics/Laboratory Corporation of America, LabCorp
Classification: Uncertain significance. Last evaluated: 2020-09-30. Review status: criteria provided, single submitter. Criteria: LabCorp Variant Classification Summary - May 2015. Collection method: clinical testing. Allele origin: germline.
Comment: Variant summary: RYR2 c.10703delT (p.Val3568GlyfsX33) results in a premature termination codon, predicted to cause a truncation of the encoded protein or absence of the protein due to nonsense mediated decay. The predominant RYR2 mutational spectrum involves missense variants in individuals with Catecholaminergic Polymorphic Ventricular Tachycardia. Therefore, the impact of loss of function variants in RYR2 on disease is not well established. The variant was absent in 224110 control chromosomes. The available data on variant occurrences in the general population are insufficient to allow any conclusion about variant significance. To our knowledge, no occurrence of c.10703delT in individuals affected with Catecholaminergic Polymorphic Ventricular Tachycardia and no experimental evidence demonstrating its impact on protein function have been reported. This points to an alternative molecular basis of disease in this family thereby providing supporting evidence for a benign role of this RYR2 variant. No clinical diagnostic laboratories have submitted clinical-significance assessments for this variant to ClinVar after 2014. Based on the evidence outlined above, the variant was classified as uncertain significance.

NM_001035.3(RYR2):c.10703del (p.Val3568fs)

Gene: RYR2 (ryanodine receptor 2; plus strand). Cytogenetic location: 1q43.
Variant type: Deletion.
Coding change: c.10703del on transcript NM_001035.3 (MANE Select); coding-DNA position 10703, one base deleted (T; older notation c.10703delT).
Protein change: p.Val3568fs; shifts the reading frame from valine 3568.
Molecular consequence: frameshift variant.
Genome position (GRCh38, 1-based): chr1:237,726,286, T deleted. VCF-style (leftmost placement, unchanged base first): chr1-237726285-GT-G. GRCh37 (hg19) VCF-style: chr1-237889585-GT-G.
Other names: short protein forms V3568fs.
Identifiers: ClinVar variation 981120 (VCV000981120.4), dbSNP rs1690189277, ClinGen allele CA1139656687.
Genomic context (GRCh38, chr1:237,726,285, plus strand): 5'-AATGTAGTTTTACTTTTTTAGCTAACATAACATTTTTATTTCTTTCAGAAGTCTAAACGT[GT>G]GGGTCGGAGACATTACTGTCTGGGAAGTACAGTGCTCAATGGCCTAGAGATTACTAATTA-3'